The following is an entry in ClinVar:

NM_007055.4(POLR3A):c.*339A>G

Gene: POLR3A (RNA polymerase III subunit A; minus strand). Cytogenetic location: 10q22.3.
Variant type: single nucleotide variant.
Coding change: c.*339A>G on transcript NM_007055.4 (MANE Select); 339 bases downstream of the stop codon, A replaced by G.
Molecular consequence: 3 prime UTR variant.
Genome position (GRCh38, 1-based): chr10:77,977,139, T>C on the plus strand (A>G on the coding strand, the complement: POLR3A is on the minus strand). VCF-style: chr10-77977139-T-C. GRCh37 (hg19) VCF-style: chr10-79736897-T-C.
Identifiers: ClinVar variation 880075 (VCV000880075.4), dbSNP rs142880941, ClinGen allele CA210183808.

ClinVar aggregate classification (germline): Likely benign (1 of 4 stars; one submission).

Conditions:
Leukodystrophy, hypomyelinating, 7, with or without oligodontia and/or hypogonadotropic hypogonadism (HLD7). Also called: LEUKOENCEPHALOPATHY, HYPOMYELINATING, WITH ATAXIA AND DELAYED DENTITION; ATAXIA, DELAYED DENTITION, AND HYPOMYELINATION; LEUKODYSTROPHY, HYPOMYELINATING, 7, WITH OLIGODONTIA; LEUKODYSTROPHY, HYPOMYELINATING, 7, WITH OLIGODONTIA AND HYPOGONADOTROPIC HYPOGONADISM; LEUKODYSTROPHY, HYPOMYELINATING, 7, WITHOUT OLIGODONTIA OR HYPOGONADOTROPIC HYPOGONADISM; Ataxia, Delayed Dentition and Hypomyelination (ADDH). Identifiers: Orphanet 137639, Orphanet 447893, Orphanet 447896, Orphanet 77295, Orphanet 88637, MedGen CN034185, MONDO:0011897, OMIM 607694.

Allele frequency attached by ClinVar (database versions not stated): gnomAD exomes 0.00084; gnomAD 0.00091 and 0.00094; 1000 Genomes Project 30x 0.00109; TOPMed 0.00119; 1000 Genomes Project 0.00120.
gnomAD v4.1: 333 of 361,846 alleles (0.092%); highest among the groups gnomAD compares: Middle Eastern, 1.6%; 1 homozygote.

Submission:

Illumina Laboratory Services, Illumina
Classification: Likely benign for Leukodystrophy, hypomyelinating, 7, with or without oligodontia and/or hypogonadotropic hypogonadism. Last evaluated: 2018-01-13. Review status: criteria provided, single submitter. Criteria: ICSL Variant Classification Criteria 13 December 2019. Collection method: clinical testing. Allele origin: germline.
Comment: This variant was observed in the ICSL laboratory as part of a predisposition screen in an ostensibly healthy population. It had not been previously curated by ICSL or reported in the Human Gene Mutation Database (HGMD: prior to June 1st, 2018), and was therefore a candidate for classification through an automated scoring system. Utilizing variant allele frequency, disease prevalence and penetrance estimates, and inheritance mode, an automated score was calculated to assess if this variant is too frequent to cause the disease. Based on the score and internal cut-off values, a variant classified as likely benign is not then subjected to further curation. The score for this variant resulted in a classification of likely benign for this disease.